The following is an entry in ClinVar:

ClinVar aggregate classification (germline): Benign/Likely benign. Review status: criteria provided, multiple submitters, no conflicts (2 of 4 stars). 4 submissions from 4 submitters: Benign (1); Likely benign (3). Last evaluated 2026-01-30.

Conditions:
Joubert syndrome. Also called: JOUBERT-BOLTSHAUSER SYNDROME; Familial aplasia of the vermis. Identifiers: Orphanet 475, MedGen C5979921, MONDO:0018772.
Joubert syndrome 3 (JBTS3). Also called: AHI1-related Ciliopathy. Identifiers: Orphanet 220493, MedGen C1837713, MONDO:0012078, OMIM 608629.

Allele frequency attached by ClinVar (database versions not stated): gnomAD 0.00029 and 0.00046; gnomAD exomes 0.00035 and 0.00087; TOPMed 0.00054; ExAC 0.00109; 1000 Genomes Project 0.00260; 1000 Genomes Project 30x 0.00265.
gnomAD v4.1: 591 of 1,608,752 alleles (0.037%); highest among the groups gnomAD compares: East Asian, 1.1%; 2 homozygotes.

Submissions (4):

Labcorp Genetics (formerly Invitae), Labcorp
Classification: Benign for Joubert syndrome. Last evaluated: 2026-01-30. Review status: criteria provided, single submitter. Criteria: Invitae Variant Classification Sherloc (09022015). Collection method: clinical testing. Allele origin: germline.

CeGaT Center for Human Genetics Tuebingen
Classification: Likely benign. Last evaluated: 2025-10-01. Review status: criteria provided, single submitter. Criteria: CeGaT Center For Human Genetics Tuebingen Variant Classification Criteria Version 2. Collection method: clinical testing. Allele origin: germline. Affected: yes. Observed: 2 variant alleles.
Comment: AHI1: BP4, BP7, BS1

Blueprint Genetics
Classification: Likely benign. Last evaluated: 2024-10-21. Review status: criteria provided, single submitter. Criteria: ACMG Guidelines, 2015. Collection method: clinical testing. Allele origin: germline.

Illumina Laboratory Services, Illumina
Classification: Likely benign for Joubert syndrome 3. Last evaluated: 2018-01-13. Review status: criteria provided, single submitter. Criteria: ICSL Variant Classification Criteria 13 December 2019. Collection method: clinical testing. Allele origin: germline.
Comment: This variant was observed in the ICSL laboratory as part of a predisposition screen in an ostensibly healthy population. It had not been previously curated by ICSL or reported in the Human Gene Mutation Database (HGMD: prior to June 1st, 2018), and was therefore a candidate for classification through an automated scoring system. Utilizing variant allele frequency, disease prevalence and penetrance estimates, and inheritance mode, an automated score was calculated to assess if this variant is too frequent to cause the disease. Based on the score and internal cut-off values, a variant classified as likely benign is not then subjected to further curation. The score for this variant resulted in a classification of likely benign for this disease.

NM_001134831.2(AHI1):c.2589G>A (p.Glu863=)

Gene: AHI1 (Abelson helper integration site 1; minus strand). Cytogenetic location: 6q23.3.
Variant type: single nucleotide variant.
Coding change: c.2589G>A on transcript NM_001134831.2 (MANE Select); coding-DNA position 2589, G replaced by A.
Protein change: p.Glu863=; no amino-acid change (glutamic acid 863 retained).
Molecular consequence: synonymous variant.
Genome position (GRCh38, 1-based): chr6:135,428,663, C>T on the plus strand (G>A on the coding strand, the complement: AHI1 is on the minus strand). VCF-style: chr6-135428663-C-T. GRCh37 (hg19) VCF-style: chr6-135749801-C-T.
Other names: c.2589G>A, p.Glu863= (NM_001134830.2, NM_001134832.2, NM_001350503.2 and 2 more transcripts).
Identifiers: ClinVar variation 355502 (VCV000355502.30), dbSNP rs147279669, ClinGen allele CA4012337.